The following is an entry in ClinVar:

ClinVar aggregate classification (germline): Uncertain significance (1 of 4 stars; one submission).

Conditions:
Joubert syndrome. Also called: CEREBELLOPARENCHYMAL DISORDER IV; JOUBERT-BOLTSHAUSER SYNDROME; Familial aplasia of the vermis. Identifiers: Orphanet 475, MedGen C5979921, MONDO:0018772.
Nephronophthisis. Also called: Juvenile Nephronophthisis. Identifiers: Orphanet 655, MedGen C0687120, MONDO:0019005, HP:0000090.
Meckel-Gruber syndrome. Also called: DYSENCEPHALIA SPLANCHNOCYSTICA; GRUBER SYNDROME; Dysencephalia splachnocystica. Identifiers: Orphanet 564, MedGen C0265215, MONDO:0018921.

Submission:

Labcorp Genetics (formerly Invitae), Labcorp
Classification: Uncertain significance for Joubert syndrome; Meckel-Gruber syndrome; Nephronophthisis. Last evaluated: 2022-10-25. Review status: criteria provided, single submitter. Criteria: Invitae Variant Classification Sherloc (09022015). Collection method: clinical testing. Allele origin: germline.
Comment: This sequence change falls in intron 14 of the CEP290 gene. It does not directly change the encoded amino acid sequence of the CEP290 protein. It affects a nucleotide within the consensus splice site. This variant is not present in population databases (gnomAD no frequency). This variant has been observed in individual(s) with Joubert syndrome (Invitae). Variants that disrupt the consensus splice site are a relatively common cause of aberrant splicing (PMID: 17576681, 9536098). Algorithms developed to predict the effect of sequence changes on RNA splicing suggest that this variant may disrupt the consensus splice site. In summary, the available evidence is currently insufficient to determine the role of this variant in disease. Therefore, it has been classified as a Variant of Uncertain Significance.

Literature cited by the submitters: PubMed 17576681; PubMed 9536098.

NM_025114.4(CEP290):c.1359+2dup

Gene: CEP290 (centrosomal protein 290; minus strand). Cytogenetic location: 12q21.32.
Variant type: Duplication.
Coding change: c.1359+2dup on transcript NM_025114.4 (MANE Select); the canonical splice donor site of the intron after coding-DNA position 1359, one base duplicated (T; older notation c.1359+2dupT).
Molecular consequence: splice donor variant.
Genome position (GRCh38, 1-based): chr12:88,120,995, A duplicated on the plus strand (T on the coding strand, the reverse complement: CEP290 is on the minus strand). VCF-style (leftmost placement, unchanged base first): chr12-88120994-T-TA. GRCh37 (hg19) VCF-style: chr12-88514771-T-TA.
Identifiers: ClinVar variation 2940989 (VCV002940989.3), dbSNP rs2501084400, ClinGen allele CA2740092522.